The following is an entry in ClinVar:

ClinVar aggregate classification (germline): Likely benign. Review status: criteria provided, multiple submitters, no conflicts (2 of 4 stars). 4 submissions from 4 submitters: Likely benign (3). 1 of the submissions does not count toward it. Last evaluated 2024-07-19.

Conditions:
Hereditary hemorrhagic telangiectasia (HHT). Also called: ORW DISEASE; Osler Weber Rendu syndrome; OSLER-RENDU-WEBER DISEASE; Osler hemorrhagic telangiectasia syndrome. Identifiers: Orphanet 774, MedGen C0039445, MONDO:0019180. Disease mechanism: loss of function.
ENG-related disorder. Also called: ENG-related condition; ENG-related disorders.
Cardiovascular phenotype. Identifiers: MedGen CN230736.

Allele frequency attached by ClinVar (database versions not stated): ExAC 0.00002; gnomAD 0.00001; gnomAD exomes 0.00002; TOPMed 0.00002; ESP Exome Variant Server 0.00008.

Submissions (4):

Labcorp Genetics (formerly Invitae), Labcorp
Classification: Likely benign for Hereditary hemorrhagic telangiectasia. Last evaluated: 2024-07-19. Review status: criteria provided, single submitter. Criteria: Invitae Variant Classification Sherloc (09022015). Collection method: clinical testing. Allele origin: germline.

Ambry Genetics
Classification: Likely benign for Cardiovascular phenotype. Last evaluated: 2021-07-01. Review status: criteria provided, single submitter. Criteria: Ambry Variant Classification Scheme 2023. Collection method: clinical testing. Allele origin: germline.

Breakthrough Genomics
Classification: Likely benign. Review status: criteria provided, single submitter. Criteria: ACMG Guidelines, 2015. Collection method: not provided. Allele origin: germline. Inheritance: Autosomal dominant inheritance. Affected: yes.

PreventionGenetics, part of Exact Sciences
Classification: Likely benign for ENG-related condition. Last evaluated: 2019-06-25. Review status: no assertion criteria provided. Collection method: clinical testing. Allele origin: germline. Not counted in ClinVar's aggregate classification.
Comment: This variant is classified as likely benign based on ACMG/AMP sequence variant interpretation guidelines (Richards et al. 2015 PMID: 25741868, with internal and published modifications).

NM_001114753.3(ENG):c.684G>A (p.Ser228=)

Gene: ENG (endoglin; minus strand). Cytogenetic location: 9q34.11.
Variant type: single nucleotide variant.
Coding change: c.684G>A on transcript NM_001114753.3 (MANE Select); coding-DNA position 684, G replaced by A.
Protein change: p.Ser228=; no amino-acid change (serine 228 retained).
Molecular consequence: synonymous variant.
Genome position (GRCh38, 1-based): chr9:127,825,700, C>T on the plus strand (G>A on the coding strand, the complement: ENG is on the minus strand). VCF-style: chr9-127825700-C-T. GRCh37 (hg19) VCF-style: chr9-130587979-C-T.
Other names: c.684G>A, p.Ser228= (NM_000118.4, NM_001406715.1); c.138G>A, p.Ser46= (NM_001278138.2).
Identifiers: ClinVar variation 767615 (VCV000767615.15), dbSNP rs368752783, ClinGen allele CA5253051.